The following is an entry in ClinVar:

ClinVar aggregate classification (germline): Conflicting classifications of pathogenicity. Review status: criteria provided, conflicting classifications (1 of 4 stars). 5 submissions from 5 submitters: Uncertain significance (4); Likely benign (1). Last evaluated 2026-02-10.

Conditions:
MYO5B-related disorder. Also called: MYO5B-related condition.
Congenital microvillous atrophy (DIAR2). Also called: Diarrhea 2 with microvillus atrophy, with or without cholestasis; Microvillus inclusion disease; CONGENITAL FAMILIAL PROTRACTED DIARRHEA WITH ENTEROCYTE BRUSH-BORDER ABNORMALITIES; DAVIDSON DISEASE; MICROVILLUS ATROPHY, CONGENITAL. Identifiers: Orphanet 2290, MedGen C0341306, MONDO:0009635, OMIM 251850.

Allele frequency attached by ClinVar (database versions not stated): gnomAD exomes 0.00006 and 0.00005; ExAC 0.00007; ESP Exome Variant Server 0.00016; 1000 Genomes Project 0.00020; 1000 Genomes Project 30x 0.00047; gnomAD 0.00002 and 0.00004; TOPMed 0.00005.
gnomAD v4.1: 76 of 1,614,152 alleles (0.0047%); highest among the groups gnomAD compares: South Asian, 0.032%; no homozygotes.

Submissions (5):

PreventionGenetics, part of Exact Sciences
Classification: Uncertain significance for MYO5B-related condition. Last evaluated: 2026-02-10. Review status: criteria provided, single submitter. Criteria: ACMG Guidelines, 2015. Collection method: clinical testing. Allele origin: germline.
Comment: The MYO5B c.1840G>A variant is predicted to result in the amino acid substitution p.Val614Ile. To our knowledge, this variant has not been reported in the literature. This variant is reported in 0.026% of alleles in individuals of South Asian descent in gnomAD. At this time, the clinical significance of this variant is uncertain due to the absence of conclusive functional and genetic evidence.

Blueprint Genetics
Classification: Likely benign. Last evaluated: 2024-07-10. Review status: criteria provided, single submitter. Criteria: ACMG Guidelines, 2015. Collection method: clinical testing. Allele origin: germline.

Mayo Clinic Laboratories, Mayo Clinic
Classification: Uncertain significance. Last evaluated: 2024-05-29. Review status: criteria provided, single submitter. Criteria: ACMG Guidelines, 2015. Collection method: clinical testing. Allele origin: germline. Observed: 1 variant allele.
Comment: BP4

Labcorp Genetics (formerly Invitae), Labcorp
Classification: Uncertain significance. Last evaluated: 2024-02-25. Review status: criteria provided, single submitter. Criteria: Invitae Variant Classification Sherloc (09022015). Collection method: clinical testing. Allele origin: germline.
Comment: This sequence change replaces valine, which is neutral and non-polar, with isoleucine, which is neutral and non-polar, at codon 614 of the MYO5B protein (p.Val614Ile). This variant is present in population databases (rs191746501, gnomAD 0.03%). This variant has not been reported in the literature in individuals affected with MYO5B-related conditions. ClinVar contains an entry for this variant (Variation ID: 889177). Advanced modeling of protein sequence and biophysical properties (such as structural, functional, and spatial information, amino acid conservation, physicochemical variation, residue mobility, and thermodynamic stability) performed at Invitae indicates that this missense variant is not expected to disrupt MYO5B protein function with a negative predictive value of 80%. In summary, the available evidence is currently insufficient to determine the role of this variant in disease. Therefore, it has been classified as a Variant of Uncertain Significance.

Illumina Laboratory Services, Illumina
Classification: Uncertain significance for Congenital microvillous atrophy. Last evaluated: 2018-01-12. Review status: criteria provided, single submitter. Criteria: ICSL Variant Classification Criteria 13 December 2019. Collection method: clinical testing. Allele origin: germline.

NM_001080467.3(MYO5B):c.1840G>A (p.Val614Ile)

Gene: MYO5B (myosin VB; minus strand). Cytogenetic location: 18q21.1.
Variant type: single nucleotide variant.
Coding change: c.1840G>A on transcript NM_001080467.3 (MANE Select); coding-DNA position 1840, G replaced by A.
Protein change: p.Val614Ile; replaces valine 614 with isoleucine.
Molecular consequence: missense variant.
Genome position (GRCh38, 1-based): chr18:49,937,310, C>T on the plus strand (G>A on the coding strand, the complement: MYO5B is on the minus strand). VCF-style: chr18-49937310-C-T. GRCh37 (hg19) VCF-style: chr18-47463680-C-T.
Other names: p.Val614Ile; short protein forms V614I.
Identifiers: ClinVar variation 889177 (VCV000889177.8), dbSNP rs191746501, ClinGen allele CA8961354.